The following is an entry in ClinVar:

NM_020778.5(ALPK3):c.4586C>T (p.Ser1529Phe)

Gene: ALPK3 (alpha kinase 3; plus strand). Cytogenetic location: 15q25.3.
Variant type: single nucleotide variant.
Coding change: c.4586C>T on transcript NM_020778.5 (MANE Select); coding-DNA position 4586, C replaced by T.
Protein change: p.Ser1529Phe; replaces serine 1529 with phenylalanine.
Molecular consequence: missense variant.
Genome position (GRCh38, 1-based): chr15:84,864,528, C>T. VCF-style: chr15-84864528-C-T. GRCh37 (hg19) VCF-style: chr15-85407759-C-T.
Other names: short protein forms S1529F.
Identifiers: ClinVar variation 1953672 (VCV001953672.5), dbSNP rs2505729685, ClinGen allele CA393364989.
Genomic context (GRCh38, chr15:84,864,528, plus strand): 5'-GGCCTGCAAACAATATCCCATATGCTACCCTGGAGGAAGACCTGGGCAAGCCCCTGGAGT[C>T]TTACTGTTCTCGGGAATGGGGCTGTGCTGAGGCTCCGACAGCATCTGGCAGCTCTGAGGC-3'
Protein context (NP_065829.4, residues 1519-1539): LEEDLGKPLE[Ser1529Phe]YCSREWGCAE

ClinVar aggregate classification (germline): Uncertain significance (1 of 4 stars; one submission).

gnomAD v4.1: 1 of 1,614,210 alleles (0.000062%); highest among the groups gnomAD compares: Admixed American, 0.0017%; no homozygotes.

Submission:

Labcorp Genetics (formerly Invitae), Labcorp
Classification: Uncertain significance. Last evaluated: 2022-04-06. Review status: criteria provided, single submitter. Criteria: Invitae Variant Classification Sherloc (09022015). Collection method: clinical testing. Allele origin: germline.
Comment: This sequence change replaces serine, which is neutral and polar, with phenylalanine, which is neutral and non-polar, at codon 1731 of the ALPK3 protein (p.Ser1731Phe). This variant is not present in population databases (gnomAD no frequency). This variant has not been reported in the literature in individuals affected with ALPK3-related conditions. Algorithms developed to predict the effect of missense changes on protein structure and function are either unavailable or do not agree on the potential impact of this missense change (SIFT: "Deleterious"; PolyPhen-2: "Probably Damaging"; Align-GVGD: "Class C0"). In summary, the available evidence is currently insufficient to determine the role of this variant in disease. Therefore, it has been classified as a Variant of Uncertain Significance.